The following is an entry in ClinVar:

NM_001364905.1(LRBA):c.973G>A (p.Ala325Thr)

Gene: LRBA (LPS responsive beige-like anchor protein; minus strand). Cytogenetic location: 4q31.3.
Variant type: single nucleotide variant.
Coding change: c.973G>A on transcript NM_001364905.1 (MANE Select); coding-DNA position 973, G replaced by A.
Protein change: p.Ala325Thr; replaces alanine 325 with threonine.
Molecular consequence: missense variant.
Genome position (GRCh38, 1-based): chr4:150,915,649, C>T on the plus strand (G>A on the coding strand, the complement: LRBA is on the minus strand). VCF-style: chr4-150915649-C-T. GRCh37 (hg19) VCF-style: chr4-151836801-C-T.
Other names: c.973G>A, p.Ala325Thr (NM_001199282.3, NM_001367550.1, NM_001440430.1 and 2 more transcripts); short protein forms A325T.
Identifiers: ClinVar variation 4292342 (VCV004292342.1).

ClinVar aggregate classification (germline): Uncertain significance (1 of 4 stars; one submission).

Conditions:
Combined immunodeficiency due to LRBA deficiency. Also called: Common variable immunodeficiency 8, with autoimmunity. Identifiers: Orphanet 445018, MedGen C3553512, MONDO:0013863, OMIM 614700.

gnomAD v4.1: 1 of 1,612,710 alleles (0.000062%); no homozygotes.

Submission:

3billion
Classification: Uncertain significance for Combined immunodeficiency due to LRBA deficiency. Last evaluated: 2024-09-11. Review status: criteria provided, single submitter. Criteria: ACMG Guidelines, 2015. Collection method: clinical testing. Allele origin: germline. Affected: yes.
Comment: The variant is observed at an extremely low frequency in the gnomAD v4.0.0 dataset (total allele frequency: <0.001%). Predicted Consequence/Location: Missense variant. The majority of the known disease-causing variants of this gene are variants expected to result in premature termination of the protein. In silico tool predictions suggest no damaging effect of the variant on gene or gene product [REVEL: 0.13 (<0.4); 3Cnet: 0.01 (<0.15, specificity 0.78 and negative predictive value 0.92)]. Therefore, this variant is classified as VUS according to the recommendation of ACMG/AMP guideline.